The following is an entry in ClinVar:

NM_000122.2(ERCC3):c.363C>G (p.Tyr121Ter)

Gene: ERCC3 (ERCC excision repair 3, TFIIH core complex helicase subunit; minus strand). Cytogenetic location: 2q14.3.
Variant type: single nucleotide variant.
Coding change: c.363C>G on transcript NM_000122.2 (MANE Select); coding-DNA position 363, C replaced by G.
Protein change: p.Tyr121Ter; replaces tyrosine 121 with a stop codon.
Molecular consequence: nonsense.
Genome position (GRCh38, 1-based): chr2:127,292,718, G>C on the plus strand (C>G on the coding strand, the complement: ERCC3 is on the minus strand). VCF-style: chr2-127292718-G-C. GRCh37 (hg19) VCF-style: chr2-128050294-G-C.
Other names: c.171C>G, p.Tyr57Ter (NM_001303416.2, NM_001303418.2); short protein forms Y121*, Y57*.
Identifiers: ClinVar variation 2829712 (VCV002829712.3), dbSNP rs762462326, ClinGen allele CA348391690.

ClinVar aggregate classification (germline): Pathogenic (1 of 4 stars; one submission).

Submission:

Labcorp Genetics (formerly Invitae), Labcorp
Classification: Pathogenic. Last evaluated: 2024-01-04. Review status: criteria provided, single submitter. Criteria: Invitae Variant Classification Sherloc (09022015). Collection method: clinical testing. Allele origin: germline.
Comment: This sequence change creates a premature translational stop signal (p.Tyr121*) in the ERCC3 gene. It is expected to result in an absent or disrupted protein product. Loss-of-function variants in ERCC3 are known to be pathogenic (PMID: 16947863). This variant is not present in population databases (gnomAD no frequency). This variant has not been reported in the literature in individuals affected with ERCC3-related conditions. For these reasons, this variant has been classified as Pathogenic.

Literature cited by the submitters: PubMed 16947863.